The following is an entry in ClinVar:

ClinVar aggregate classification (germline): Uncertain significance (1 of 4 stars; one submission).

gnomAD v4.1: 11 of 1,614,080 alleles (0.00068%); highest among the groups gnomAD compares: East Asian, 0.025%; no homozygotes.

Submission:

GeneDx
Classification: Uncertain significance. Last evaluated: 2024-01-19. Review status: criteria provided, single submitter. Criteria: GeneDx Variant Classification Process June 2021. Collection method: clinical testing. Allele origin: germline. Affected: yes.
Comment: Has not been previously published as pathogenic or benign to our knowledge; In silico analysis supports that this missense variant has a deleterious effect on protein structure/function

NM_006846.4(SPINK5):c.13A>C (p.Thr5Pro)

Gene: SPINK5 (serine peptidase inhibitor Kazal type 5; plus strand). Cytogenetic location: 5q32.
Variant type: single nucleotide variant.
Coding change: c.13A>C on transcript NM_006846.4 (MANE Select); coding-DNA position 13, A replaced by C.
Protein change: p.Thr5Pro; replaces threonine 5 with proline.
Molecular consequence: missense variant.
Genome position (GRCh38, 1-based): chr5:148,064,057, A>C. VCF-style: chr5-148064057-A-C. GRCh37 (hg19) VCF-style: chr5-147443620-A-C.
Other names: c.13A>C, p.Thr5Pro (NM_001127698.2, NM_001127699.2); short protein forms T5P.
Identifiers: ClinVar variation 3367857 (VCV003367857.1).
Genomic context (GRCh38, chr5:148,064,057, plus strand): 5'-TGAGCAATGCATGGAGTGGACCTGTAGGCGACTTGCATCGTCTTCAACATGAAGATAGCC[A>C]CAGTGTCAGTGCTTCTGCCCTTGGCTCTTTGCCTCATACAAGGTGAGCAATTTGTGTGTA-3'
Protein context (NP_006837.2, residues 1-15): MKIA[Thr5Pro]VSVLLPLALC